The following is an entry in ClinVar:

ClinVar aggregate classification (germline): Pathogenic. Review status: criteria provided, single submitter (1 of 4 stars). 2 submissions from 2 submitters: Pathogenic (1). 1 of the submissions does not count toward it. Last evaluated 2025-08-21.

Conditions:
Long QT syndrome 1 (LQT1). Identifiers: Orphanet 101016, Orphanet 768, MedGen C4551647, MONDO:0100316, OMIM 192500, MONDO:0008646.
Long QT syndrome 15 (LQT15). Identifiers: Orphanet 101016, Orphanet 768, MedGen C4015695, MONDO:0014550, OMIM 616249.

Submissions (2):

Labcorp Genetics (formerly Invitae), Labcorp
Classification: Pathogenic for Long QT syndrome 1. Last evaluated: 2025-08-21. Review status: criteria provided, single submitter. Criteria: Invitae Variant Classification Sherloc (09022015). Collection method: clinical testing. Allele origin: germline.
Comment: This sequence change replaces aspartic acid, which is acidic and polar, with glycine, which is neutral and non-polar, at codon 130 of the CALM2 protein (p.Asp130Gly). This variant is not present in population databases (gnomAD no frequency). This missense change has been observed in individual(s) with long QT syndrome (PMID: 11569915, 23388215, 26164367, 27165696; internal data). In at least one individual the variant was observed to be de novo. ClinVar contains an entry for this variant (Variation ID: 812710). An algorithm developed to predict the effect of missense changes on protein structure and function (PolyPhen-2) suggests that this variant is likely to be disruptive. Algorithms developed to predict the effect of sequence changes on RNA splicing suggest that this variant may create or strengthen a splice site. For these reasons, this variant has been classified as Pathogenic.

OMIM
Classification: Pathogenic for LONG QT SYNDROME 15. Last evaluated: 2020-02-21. Review status: no assertion criteria provided. Collection method: literature only. Allele origin: germline. Not counted in ClinVar's aggregate classification.

Literature cited by the submitters: PubMed 11569915 (cited by Labcorp Genetics (formerly Invitae), Labcorp); PubMed 23388215 (cited by Labcorp Genetics (formerly Invitae), Labcorp); PubMed 26164367 (cited by Labcorp Genetics (formerly Invitae), Labcorp); PubMed 27165696 (cited by Labcorp Genetics (formerly Invitae), Labcorp); PubMed 26969752 (cited by OMIM); PubMed 27765793 (cited by OMIM).

NM_001743.6(CALM2):c.389A>G (p.Asp130Gly)

Gene: CALM2 (calmodulin 2; minus strand). Cytogenetic location: 2p21.
Variant type: single nucleotide variant.
Coding change: c.389A>G on transcript NM_001743.6 (MANE Select); coding-DNA position 389, A replaced by G.
Protein change: p.Asp130Gly; replaces aspartic acid 130 with glycine.
Molecular consequence: missense variant.
Genome position (GRCh38, 1-based): chr2:47,161,755, T>C on the plus strand (A>G on the coding strand, the complement: CALM2 is on the minus strand). VCF-style: chr2-47161755-T-C. GRCh37 (hg19) VCF-style: chr2-47388894-T-C.
Other names: c.533A>G, p.Asp178Gly (NM_001305624.1); c.281A>G, p.Asp94Gly (NM_001305625.2, NM_001305626.1); short protein forms D130G, D178G, D94G.
Identifiers: ClinVar variation 812710 (VCV000812710.12), dbSNP rs1573214163, ClinGen allele CA346719064.